The following is an entry in ClinVar:

NM_003738.5(PTCH2):c.1676G>C (p.Cys559Ser)

Gene: PTCH2 (patched 2; minus strand). Cytogenetic location: 1p34.1.
Variant type: single nucleotide variant.
Coding change: c.1676G>C on transcript NM_003738.5 (MANE Select); coding-DNA position 1676, G replaced by C.
Protein change: p.Cys559Ser; replaces cysteine 559 with serine.
Molecular consequence: missense variant.
Genome position (GRCh38, 1-based): chr1:44,828,329, C>G on the plus strand (G>C on the coding strand, the complement: PTCH2 is on the minus strand). VCF-style: chr1-44828329-C-G. GRCh37 (hg19) VCF-style: chr1-45294001-C-G.
Other names: c.1676G>C, p.Cys559Ser (NM_001166292.2); short protein forms C559S.
Identifiers: ClinVar variation 4851898 (VCV004851898.1).

ClinVar aggregate classification (germline): Uncertain significance (1 of 4 stars; one submission).

gnomAD v4.1: 5 of 1,614,056 alleles (0.00031%); highest among the groups gnomAD compares: Non-Finnish European, 0.00034%; no homozygotes.

Submission:

Dasa
Classification: Uncertain significance. Last evaluated: 2025-04-16. Review status: criteria provided, single submitter. Criteria: DASA Assertion Criteria. Collection method: clinical testing. Allele origin: germline.
Comment: NM_003738.5(PTCH2):c.1676G>C (p.Cys559Ser) is a missense variant that results in the substitution of cysteine with serine. Multiple computational predictions support a deleterious effect on the gene or gene product. The variant is present at low frequency in population datasets. Based on the available data, this variant is classified as variant of uncertain significance.